The following is an entry in ClinVar:

NM_001035.3(RYR2):c.14781C>T (p.Asn4927=)

Gene: RYR2 (ryanodine receptor 2; plus strand). Cytogenetic location: 1q43.
Variant type: single nucleotide variant.
Coding change: c.14781C>T on transcript NM_001035.3 (MANE Select); coding-DNA position 14781, C replaced by T.
Protein change: p.Asn4927=; no amino-acid change (asparagine 4927 retained).
Molecular consequence: synonymous variant.
Genome position (GRCh38, 1-based): chr1:237,831,538, C>T. VCF-style: chr1-237831538-C-T. GRCh37 (hg19) VCF-style: chr1-237994838-C-T.
Identifiers: ClinVar variation 703739 (VCV000703739.24), dbSNP rs559218380, ClinGen allele CA085768.

ClinVar aggregate classification (germline): Likely benign. Review status: criteria provided, multiple submitters, no conflicts (2 of 4 stars). 5 submissions from 5 submitters: Likely benign (5). Last evaluated 2025-12-23.

Conditions:
Catecholaminergic polymorphic ventricular tachycardia 1. Also called: VENTRICULAR TACHYCARDIA, CATECHOLAMINERGIC POLYMORPHIC, 1, WITH OR WITHOUT ATRIAL DYSFUNCTION AND/OR DILATED CARDIOMYOPATHY; RYR2-Related Catecholaminergic Polymorphic Ventricular Tachycardia; VENTRICULAR TACHYCARDIA, STRESS-INDUCED POLYMORPHIC 1. Identifiers: Orphanet 3286, MedGen C1631597, MONDO:0011484, OMIM 604772.
Catecholaminergic polymorphic ventricular tachycardia (CVPT). Also called: Catecholamine-induced polymorphic ventricular tachycardia. Identifiers: Orphanet 3286, MedGen C5574922, MONDO:0017990.
Cardiovascular phenotype. Identifiers: MedGen CN230736.
Cardiomyopathy (CMYO). Also called: Cardiomyopathies. Identifiers: Orphanet 167848, MedGen C0878544, MONDO:0004994, HP:0001638. Inheritance: Various modes of inheritance.

Allele frequency attached by ClinVar (database versions not stated): gnomAD 0.00001; gnomAD exomes 0.00001 and 0.00002; ExAC 0.00004.
gnomAD v4.1: 29 of 1,570,804 alleles (0.0018%); highest among the groups gnomAD compares: African/African-American, 0.0027%; no homozygotes.

Submissions (5):

Labcorp Genetics (formerly Invitae), Labcorp
Classification: Likely benign for Catecholaminergic polymorphic ventricular tachycardia 1. Last evaluated: 2025-12-23. Review status: criteria provided, single submitter. Criteria: Invitae Variant Classification Sherloc (09022015). Collection method: clinical testing. Allele origin: germline.

All of Us Research Program, National Institutes of Health
Classification: Likely benign for Catecholaminergic polymorphic ventricular tachycardia. Last evaluated: 2024-05-30. Review status: criteria provided, single submitter. Criteria: ACMG Guidelines, 2015. Collection method: clinical testing. Allele origin: germline. Inheritance: Autosomal dominant inheritance. Observed: 1 variant allele, 1 heterozygote.
Comment: This study involves interpretation of variants in research participants for the purpose of population health screening. Participant phenotype was not available at the time of variant classification. Additional details can be found in publication PMID: 35346344, PMCID: PMC8962531

Blueprint Genetics
Classification: Likely benign. Last evaluated: 2022-10-14. Review status: criteria provided, single submitter. Criteria: ACMG Guidelines, 2015. Collection method: clinical testing. Allele origin: germline.

Ambry Genetics
Classification: Likely benign for Cardiovascular phenotype. Last evaluated: 2020-12-26. Review status: criteria provided, single submitter. Criteria: Ambry Variant Classification Scheme 2023. Collection method: clinical testing. Allele origin: germline.

Color Diagnostics, LLC DBA Color Health
Classification: Likely benign for Cardiomyopathy. Last evaluated: 2018-11-25. Review status: criteria provided, single submitter. Criteria: ACMG Guidelines, 2015. Collection method: clinical testing. Allele origin: germline.